The following is an entry in ClinVar:

ClinVar aggregate classification (germline): Uncertain significance (1 of 4 stars; one submission).

Conditions:
Werner syndrome (WRN). Identifiers: Orphanet 902, MedGen C0043119, MONDO:0010196, OMIM 277700.

Submission:

Labcorp Genetics (formerly Invitae), Labcorp
Classification: Uncertain significance for Werner syndrome. Last evaluated: 2024-02-27. Review status: criteria provided, single submitter. Criteria: Invitae Variant Classification Sherloc (09022015). Collection method: clinical testing. Allele origin: germline.
Comment: This sequence change replaces glutamic acid, which is acidic and polar, with valine, which is neutral and non-polar, at codon 406 of the WRN protein (p.Glu406Val). This variant is not present in population databases (gnomAD no frequency). This variant has not been reported in the literature in individuals affected with WRN-related conditions. An algorithm developed to predict the effect of missense changes on protein structure and function (PolyPhen-2) suggests that this variant is likely to be disruptive. In summary, the available evidence is currently insufficient to determine the role of this variant in disease. Therefore, it has been classified as a Variant of Uncertain Significance.

NM_000553.6(WRN):c.1217A>T (p.Glu406Val)

Gene: WRN (WRN RecQ like helicase; plus strand). Cytogenetic location: 8p12.
Variant type: single nucleotide variant.
Coding change: c.1217A>T on transcript NM_000553.6 (MANE Select); coding-DNA position 1217, A replaced by T.
Protein change: p.Glu406Val; replaces glutamic acid 406 with valine.
Molecular consequence: missense variant.
Genome position (GRCh38, 1-based): chr8:31,081,244, A>T. VCF-style: chr8-31081244-A-T. GRCh37 (hg19) VCF-style: chr8-30938760-A-T.
Other names: short protein forms E406V.
Identifiers: ClinVar variation 3643511 (VCV003643511.2).